The following is an entry in ClinVar:

NM_001040716.2(PC):c.3133G>T (p.Ala1045Ser)

Gene: PC (pyruvate carboxylase; minus strand). Cytogenetic location: 11q13.2.
Variant type: single nucleotide variant.
Coding change: c.3133G>T on transcript NM_001040716.2 (MANE Select); coding-DNA position 3133, G replaced by T.
Protein change: p.Ala1045Ser; replaces alanine 1045 with serine.
Molecular consequence: missense variant.
Genome position (GRCh38, 1-based): chr11:66,849,625, C>A on the plus strand (G>T on the coding strand, the complement: PC is on the minus strand). VCF-style: chr11-66849625-C-A. GRCh37 (hg19) VCF-style: chr11-66617096-C-A.
Other names: c.3133G>T, p.Ala1045Ser (NM_000920.4, NM_001439352.1, NM_001439353.1 and 5 more transcripts); short protein forms A1045S.
Identifiers: ClinVar variation 4992927 (VCV004992927.1).

ClinVar aggregate classification (germline): Uncertain significance (1 of 4 stars; one submission).

Conditions:
PC-related disorder. Also called: PC-related condition.

Submission:

PreventionGenetics, part of Exact Sciences
Classification: Uncertain significance for PC-related condition. Last evaluated: 2026-06-03. Review status: criteria provided, single submitter. Criteria: ACMG Guidelines, 2015. Collection method: clinical testing. Allele origin: germline.
Comment: The PC c.3133G>T variant is predicted to result in the amino acid substitution p.Ala1045Ser. To our knowledge, this variant has not been reported in the literature or in a large population database (gnomAD), indicating this variant is rare. At this time, the clinical significance of this variant is uncertain due to the absence of conclusive functional and genetic evidence.